The following is an entry in ClinVar:

NM_000069.3(CACNA1S):c.4817G>C (p.Gly1606Ala)

Gene: CACNA1S (calcium voltage-gated channel subunit alpha1 S; minus strand). Cytogenetic location: 1q32.1.
Variant type: single nucleotide variant.
Coding change: c.4817G>C on transcript NM_000069.3 (MANE Select); coding-DNA position 4817, G replaced by C.
Protein change: p.Gly1606Ala; replaces glycine 1606 with alanine.
Molecular consequence: missense variant.
Genome position (GRCh38, 1-based): chr1:201,043,512, C>G on the plus strand (G>C on the coding strand, the complement: CACNA1S is on the minus strand). VCF-style: chr1-201043512-C-G. GRCh37 (hg19) VCF-style: chr1-201012640-C-G.
Other names: short protein forms G1606A.
Identifiers: ClinVar variation 3386289 (VCV003386289.2).

ClinVar aggregate classification (germline): Uncertain significance. Review status: criteria provided, multiple submitters, no conflicts (2 of 4 stars). 2 submissions from 2 submitters: Uncertain significance (2). Last evaluated 2024-06-09.

Conditions:
Malignant hyperthermia, susceptibility to, 5 (MHS5). Also called: CACNA1S-Related Malignant Hyperthermia Susceptibility. Identifiers: Orphanet 423, MedGen C1866077, MONDO:0011163, OMIM 601887.

gnomAD v4.1: 1 of 1,613,894 alleles (0.000062%); highest among the groups gnomAD compares: African/African-American, 0.0013%; no homozygotes.

Submissions (2):

All of Us Research Program, National Institutes of Health
Classification: Uncertain significance for Malignant hyperthermia, susceptibility to, 5. Last evaluated: 2024-06-09. Review status: criteria provided, single submitter. Criteria: ACMG Guidelines, 2015. Collection method: clinical testing. Allele origin: germline. Inheritance: Autosomal dominant inheritance. Observed: 1 variant allele, 1 heterozygote.
Comment: This missense variant replaces glycine with alanine at codon 1606 of the CACNA1S protein. Computational prediction is inconclusive regarding the impact of this variant on protein structure and function (internally defined REVEL score threshold 0.5 < inconclusive < 0.7, PMID: 27666373). To our knowledge, functional studies have not been reported for this variant. This variant has not been reported in individuals affected with CACNA1S-related disorders in the literature. This variant has been identified in 1/250490 chromosomes in the general population by the Genome Aggregation Database (gnomAD). The available evidence is insufficient to determine the role of this variant in disease conclusively. Therefore, this variant is classified as a Variant of Uncertain Significance.

This study involves interpretation of variants in research participants for the purpose of population health screening. Participant phenotype was not available at the time of variant classification. Additional details can be found in publication PMID: 35346344, PMCID: PMC8962531

Color Diagnostics, LLC DBA Color Health
Classification: Uncertain significance for Malignant hyperthermia, susceptibility to, 5. Last evaluated: 2024-05-28. Review status: criteria provided, single submitter. Criteria: ACMG Guidelines, 2015. Collection method: clinical testing. Allele origin: germline.
Comment: This missense variant replaces glycine with alanine at codon 1606 of the CACNA1S protein. Computational prediction is inconclusive regarding the impact of this variant on protein structure and function. To our knowledge, functional studies have not been reported for this variant. This variant has not been reported in individuals affected with CACNA1S-related disorders in the literature. This variant has been identified in 1/250490 chromosomes in the general population by the Genome Aggregation Database (gnomAD). The available evidence is insufficient to determine the role of this variant in disease conclusively. Therefore, this variant is classified as a Variant of Uncertain Significance.